The following is an entry in ClinVar:

ClinVar aggregate classification (germline): Uncertain significance (1 of 4 stars; one submission).

Conditions:
Hereditary cancer-predisposing syndrome. Also called: Neoplastic Syndromes, Hereditary; Tumor predisposition; Hereditary Cancer Syndrome; Hereditary neoplastic syndrome. Identifiers: Orphanet 140162, MedGen C0027672, MeSH D009386, MONDO:0015356.

Submission:

Ambry Genetics
Classification: Uncertain significance for Hereditary cancer-predisposing syndrome. Last evaluated: 2022-04-09. Review status: criteria provided, single submitter. Criteria: Ambry Variant Classification Scheme 2023. Collection method: clinical testing. Allele origin: germline.
Comment: The p.P613A variant (also known as c.1837C>G), located in coding exon 19 of the RB1 gene, results from a C to G substitution at nucleotide position 1837. The proline at codon 613 is replaced by alanine, an amino acid with highly similar properties. This amino acid position is conserved. In addition, the in silico prediction for this alteration is inconclusive. Since supporting evidence is limited at this time, the clinical significance of this alteration remains unclear.

NM_000321.3(RB1):c.1837C>G (p.Pro613Ala)

Gene: RB1 (RB transcriptional corepressor 1; plus strand). Cytogenetic location: 13q14.2.
Variant type: single nucleotide variant.
Coding change: c.1837C>G on transcript NM_000321.3 (MANE Select); coding-DNA position 1837, C replaced by G.
Protein change: p.Pro613Ala; replaces proline 613 with alanine.
Molecular consequence: missense variant.
Genome position (GRCh38, 1-based): chr13:48,456,226, C>G. VCF-style: chr13-48456226-C-G. GRCh37 (hg19) VCF-style: chr13-49030362-C-G.
Other names: c.1837C>G, p.Pro613Ala (NM_001407165.1); short protein forms P613A.
Identifiers: ClinVar variation 1781059 (VCV001781059.2), dbSNP rs1555293835, ClinGen allele CA388165731.